The following is an entry in ClinVar:

ClinVar aggregate classification (germline): Benign. Review status: criteria provided, multiple submitters, no conflicts (2 of 4 stars). 3 submissions from 2 submitters: Benign (3). Last evaluated 2018-01-13.

Conditions:
Short-rib thoracic dysplasia 7 with or without polydactyly (SRTD7). Also called: Short rib polydactyly syndrome 5; SHORT-RIB THORACIC DYSPLASIA 7 WITH POLYDACTYLY. Identifiers: Orphanet 498497, Orphanet 93271, MedGen C3279792, MONDO:0013569, OMIM 614091.
Cranioectodermal dysplasia 2 (CED2). Identifiers: Orphanet 1515, MedGen C3150874, MONDO:0013323, OMIM 613610.

Allele frequency attached by ClinVar (database versions not stated): gnomAD 0.04161 and 0.04238; TOPMed 0.04688; 1000 Genomes Project 30x 0.06246; 1000 Genomes Project 0.06669.

Submissions (3):

Illumina Laboratory Services, Illumina
Classification: Benign for Short-rib thoracic dysplasia 7 with or without polydactyly. Last evaluated: 2018-01-13. Review status: criteria provided, single submitter. Criteria: ICSL Variant Classification Criteria 13 December 2019. Collection method: clinical testing. Allele origin: germline.
Comment: This variant was observed in the ICSL laboratory as part of a predisposition screen in an ostensibly healthy population. It had not been previously curated by ICSL or reported in the Human Gene Mutation Database (HGMD: prior to June 1st, 2018), and was therefore a candidate for classification through an automated scoring system. Utilizing variant allele frequency, disease prevalence and penetrance estimates, and inheritance mode, an automated score was calculated to assess if this variant is too frequent to cause the disease. Based on the score and internal cut-off values, a variant classified as benign is not then subjected to further curation. The score for this variant resulted in a classification of benign for this disease.

Illumina Laboratory Services, Illumina
Classification: Benign for Cranioectodermal dysplasia 2. Last evaluated: 2018-01-13. Review status: criteria provided, single submitter. Criteria: ICSL Variant Classification Criteria 13 December 2019. Collection method: clinical testing. Allele origin: germline.
Comment: the same text as in the submission from Illumina Laboratory Services, Illumina above.

Breakthrough Genomics
Classification: Benign. Review status: criteria provided, single submitter. Criteria: ACMG Guidelines, 2015. Collection method: not provided. Allele origin: germline. Inheritance: Autosomal recessive inheritance. Affected: yes.

NM_020779.4(WDR35):c.*1127A>G

Gene: WDR35 (WD repeat domain 35; minus strand). Cytogenetic location: 2p24.1.
Variant type: single nucleotide variant.
Coding change: c.*1127A>G on transcript NM_020779.4 (MANE Select); 1127 bases downstream of the stop codon, A replaced by G.
Molecular consequence: 3 prime UTR variant.
Genome position (GRCh38, 1-based): chr2:19,912,431, T>C on the plus strand (A>G on the coding strand, the complement: WDR35 is on the minus strand). VCF-style: chr2-19912431-T-C. GRCh37 (hg19) VCF-style: chr2-20112192-T-C.
Other names: c.*1127A>G (NM_001006657.2).
Identifiers: ClinVar variation 333351 (VCV000333351.6), dbSNP rs75503594, ClinGen allele CA10611900.